The following is an entry in ClinVar:

ClinVar aggregate classification (germline): Benign/Likely benign. Review status: criteria provided, multiple submitters, no conflicts (2 of 4 stars). 5 submissions from 5 submitters: Benign (1); Likely benign (4). Last evaluated 2026-08-25.

Conditions:
PDGFRA-related disorder. Also called: PDGFRA-related condition.
Polyps, multiple and recurrent inflammatory fibroid, gastrointestinal. Identifiers: MedGen C5193005, MONDO:0008285, OMIM 175510.
Gastrointestinal stromal tumor. Also called: Gastrointestinal stroma tumor; Gastrointestinal stromal tumor, somatic. Identifiers: Orphanet 44890, MedGen C0238198, MeSH D046152, MONDO:0011719, OMIM 606764, HP:0100723.

Allele frequency attached by ClinVar (database versions not stated): gnomAD exomes 0.00004 and 0.00002; ExAC 0.00006; gnomAD 0.00001; TOPMed 0.00002.
gnomAD v4.1: 35 of 1,613,870 alleles (0.0022%); highest among the groups gnomAD compares: Middle Eastern, 0.15%; no homozygotes.

Submissions (5):

PreventionGenetics, part of Exact Sciences
Classification: Likely benign for PDGFRA-related condition. Last evaluated: 2026-08-25. Review status: criteria provided, single submitter. Criteria: ACMG Guidelines, 2015. Collection method: clinical testing. Allele origin: germline.
Comment: This variant is classified as likely benign based on ACMG/AMP sequence variant interpretation guidelines (Richards et al. 2015 PMID: 25741868, with internal and published modifications).

Myriad Genetics, Inc.
Classification: Benign for Polyps, multiple and recurrent inflammatory fibroid, gastrointestinal. Last evaluated: 2026-06-16. Review status: criteria provided, single submitter. Criteria: Myriad Autosomal Dominant, Autosomal Recessive and X-Linked Classification Criteria (2023). Collection method: clinical testing. Allele origin: unknown.
Comment: This variant is considered benign. This variant is intronic and is not expected to impact mRNA splicing. This variant has been observed at a population frequency that is significantly greater than expected given the associated disease prevalence and penetrance.

Labcorp Genetics (formerly Invitae), Labcorp
Classification: Likely benign for Gastrointestinal stromal tumor. Last evaluated: 2026-02-03. Review status: criteria provided, single submitter. Criteria: Invitae Variant Classification Sherloc (09022015). Collection method: clinical testing. Allele origin: germline.

Blueprint Genetics
Classification: Likely benign. Last evaluated: 2024-09-16. Review status: criteria provided, single submitter. Criteria: ACMG Guidelines, 2015. Collection method: clinical testing. Allele origin: germline.

Breakthrough Genomics
Classification: Likely benign. Review status: criteria provided, single submitter. Criteria: ACMG Guidelines, 2015. Collection method: not provided. Allele origin: germline. Inheritance: Autosomal dominant inheritance. Affected: yes.

NM_006206.6(PDGFRA):c.760-7G>T

Gene: PDGFRA (platelet derived growth factor receptor alpha; plus strand). Cytogenetic location: 4q12.
Variant type: single nucleotide variant.
Coding change: c.760-7G>T on transcript NM_006206.6 (MANE Select); 7 bases into the intron before coding-DNA position 760, G replaced by T.
Molecular consequence: intron variant.
Genome position (GRCh38, 1-based): chr4:54,267,282, G>T. VCF-style: chr4-54267282-G-T. GRCh37 (hg19) VCF-style: chr4-55133449-G-T.
Other names: c.835-7G>T (NM_001347828.2); c.760-7G>T (NM_001347827.2, NM_001347829.2, NM_006206.5); c.799-7G>T (NM_001347830.2).
Identifiers: ClinVar variation 414500 (VCV000414500.16), dbSNP rs746550287, ClinGen allele CA2922384.